The following is an entry in ClinVar:

ClinVar aggregate classification (germline): Uncertain significance. Review status: criteria provided, multiple submitters, no conflicts (2 of 4 stars). 2 submissions from 2 submitters: Uncertain significance (2). Last evaluated 2025-12-29.

Conditions:
NPNT-related condition.

Allele frequency attached by ClinVar (database versions not stated): gnomAD exomes below 0.00001; ExAC 0.00001; gnomAD 0.00003.
gnomAD v4.1: 5 of 1,613,608 alleles (0.00031%); highest among the groups gnomAD compares: African/African-American, 0.0067%; no homozygotes.

Submissions (2):

PreventionGenetics, part of Exact Sciences
Classification: Uncertain significance for NPNT-related condition. Last evaluated: 2025-12-29. Review status: criteria provided, single submitter. Criteria: ACMG Guidelines, 2015. Collection method: clinical testing. Allele origin: germline.
Comment: The NPNT c.559G>A variant is predicted to result in the amino acid substitution p.Gly187Ser. To our knowledge, this variant has not been reported in the literature. This variant is reported in 0.012% of alleles in individuals of African descent in gnomAD. At this time, the clinical significance of this variant is uncertain due to the absence of conclusive functional and genetic evidence.

Ambry Genetics
Classification: Uncertain significance. Last evaluated: 2023-02-15. Review status: criteria provided, single submitter. Criteria: Ambry Variant Classification Scheme 2023. Collection method: clinical testing. Allele origin: germline.

NM_001033047.3(NPNT):c.469G>A (p.Gly157Ser)

Gene: NPNT (nephronectin; plus strand). Cytogenetic location: 4q24.
Variant type: single nucleotide variant.
Coding change: c.469G>A on transcript NM_001033047.3 (MANE Select); coding-DNA position 469, G replaced by A.
Protein change: p.Gly157Ser; replaces glycine 157 with serine.
Molecular consequence: missense variant.
Genome position (GRCh38, 1-based): chr4:105,938,384, G>A. VCF-style: chr4-105938384-G-A. GRCh37 (hg19) VCF-style: chr4-106859541-G-A.
Other names: c.520G>A, p.Gly174Ser (NM_001184690.2); c.559G>A, p.Gly187Ser (NM_001184691.2, NM_001184693.2); c.469G>A, p.Gly157Ser (NM_001184692.2); short protein forms G174S, G187S, G157S.
Identifiers: ClinVar variation 3201730 (VCV003201730.2), dbSNP rs775325362, ClinGen allele CA3034220.